The following is an entry in ClinVar:

ClinVar aggregate classification (germline): Conflicting classifications of pathogenicity. Review status: criteria provided, conflicting classifications (1 of 4 stars). 2 submissions from 2 submitters: Uncertain significance (1); Likely benign (1). Last evaluated 2026-02-05.

Conditions:
Inborn genetic diseases. Identifiers: MedGen C0950123, MeSH D030342.

Submissions (2):

GeneDx
Classification: Uncertain significance. Last evaluated: 2026-02-05. Review status: criteria provided, single submitter. Criteria: GeneDx Variant Classification Process June 2021. Collection method: clinical testing. Allele origin: germline.
Comment: In silico analysis supports that this missense variant has a deleterious effect on protein structure/function; Has not been previously published as pathogenic or benign to our knowledge

Ambry Genetics
Classification: Likely benign for Inborn genetic diseases. Last evaluated: 2025-08-23. Review status: criteria provided, single submitter. Criteria: Ambry Variant Classification Scheme 2023. Collection method: clinical testing. Allele origin: germline.

NM_000213.5(ITGB4):c.1868C>T (p.Pro623Leu)

Gene: ITGB4 (integrin subunit beta 4; plus strand). Cytogenetic location: 17q25.1.
Variant type: single nucleotide variant.
Coding change: c.1868C>T on transcript NM_000213.5 (MANE Select); coding-DNA position 1868, C replaced by T.
Protein change: p.Pro623Leu; replaces proline 623 with leucine.
Molecular consequence: missense variant.
Genome position (GRCh38, 1-based): chr17:75,736,572, C>T. VCF-style: chr17-75736572-C-T. GRCh37 (hg19) VCF-style: chr17-73732653-C-T.
Other names: c.1868C>T (NM_000213.3); c.1868C>T, p.Pro623Leu (NM_001005619.2, NM_001005731.3, NM_001321123.2 and 1 more transcripts); short protein forms P623L.
Identifiers: ClinVar variation 4088493 (VCV004088493.2).
Genomic context (GRCh38, chr17:75,736,572, plus strand): 5'-TGGCAGAGGCCCACCCAACACAGTGCCTGTCTGCCCCGCCTTTCCCCGCCAAGATCCACC[C>T]GGGCCTCTGCGAGGACCTACGCTCCTGCGTGCAGTGCCAGGCGTGGGGCACCGGCGAGAA-3'
Protein context (NP_000204.3, residues 613-633): ICEINYSAIH[Pro623Leu]GLCEDLRSCV